The following is an entry in ClinVar:

ClinVar aggregate classification (germline): Pathogenic (1 of 4 stars; one submission).

Conditions:
X-linked agammaglobulinemia with growth hormone deficiency (IGHD3). Also called: HYPOGAMMAGLOBULINEMIA AND ISOLATED GROWTH HORMONE DEFICIENCY, X-LINKED; IGHD III; Isolated growth hormone deficiency type 3; Growth hormone deficiency with hypogammaglobulinemia; ISOLATED GROWTH HORMONE DEFICIENCY, TYPE III, WITH AGAMMAGLOBULINEMIA; AGAMMAGLOBULINEMIA AND ISOLATED GROWTH HORMONE DEFICIENCY, X-LINKED. Identifiers: Orphanet 231692, Orphanet 631, MedGen C0472813, MONDO:0010615, OMIM 307200.

Submission:

Labcorp Genetics (formerly Invitae), Labcorp
Classification: Pathogenic for X-linked agammaglobulinemia with growth hormone deficiency. Last evaluated: 2024-01-10. Review status: criteria provided, single submitter. Criteria: Invitae Variant Classification Sherloc (09022015). Collection method: clinical testing. Allele origin: germline.
Comment: This sequence change creates a premature translational stop signal (p.Ile92Phefs*29) in the BTK gene. It is expected to result in an absent or disrupted protein product. Loss-of-function variants in BTK are known to be pathogenic (PMID: 15661032, 16862044, 19419768). This variant is not present in population databases (gnomAD no frequency). This variant has not been reported in the literature in individuals affected with BTK-related conditions. For these reasons, this variant has been classified as Pathogenic.

Literature cited by the submitters: PubMed 15661032; PubMed 16862044; PubMed 19419768.

NM_000061.3(BTK):c.274del (p.Ile92fs)

Gene: BTK (Bruton tyrosine kinase; minus strand). Cytogenetic location: Xq22.1.
Variant type: Deletion.
Coding change: c.274del on transcript NM_000061.3 (MANE Select); coding-DNA position 274, one base deleted (A; older notation c.274delA).
Protein change: p.Ile92fs; shifts the reading frame from isoleucine 92.
Molecular consequence: frameshift variant.
Genome position (GRCh38, 1-based): chrX:101,371,668, T deleted on the plus strand (A on the coding strand, the reverse complement: BTK is on the minus strand); the first of 3 consecutive T bases (chrX:101,371,668-101,371,670); deleting any one gives the same sequence. VCF-style (leftmost placement, unchanged base first): chrX-101371667-AT-A. GRCh37 (hg19) VCF-style: chrX-100626655-AT-A.
Other names: c.376del, p.Ile126fs (NM_001287344.2); c.274del, p.Ile92fs (NM_001287345.2); short protein forms I126fs, I92fs.
Identifiers: ClinVar variation 2706161 (VCV002706161.3), dbSNP rs2520668390, ClinGen allele CA2697544644.
Genomic context (GRCh38, chrX:101,371,667, plus strand): 5'-AGATTTGGTGAGAGAAAATAACTCACCTGGAAGGGATAAGGGAACCTTTCAATGATTGAA[AT>A]TTGCTCCATTTCACTGGACTCTTCACCTCTTCTCTGTAATGAAATAAGAAAAAATGGTTA-3'